The following is an entry in ClinVar:

NM_016599.5(MYOZ2):c.477T>A (p.Asp159Glu)

Gene: MYOZ2 (myozenin 2; plus strand). Cytogenetic location: 4q26.
Variant type: single nucleotide variant.
Coding change: c.477T>A on transcript NM_016599.5 (MANE Select); coding-DNA position 477, T replaced by A.
Protein change: p.Asp159Glu; replaces aspartic acid 159 with glutamic acid.
Molecular consequence: missense variant.
Genome position (GRCh38, 1-based): chr4:119,164,311, T>A. VCF-style: chr4-119164311-T-A. GRCh37 (hg19) VCF-style: chr4-120085466-T-A.
Other names: short protein forms D159E.
Identifiers: ClinVar variation 1994268 (VCV001994268.4), dbSNP rs1363936227, ClinGen allele CA358204288.
Genomic context (GRCh38, chr4:119,164,311, plus strand): 5'-CAACACCACAGCTGTCCCTAAGTACTATCAATCTCCCTGGGAACAAGCCATTAGCAATGA[T>A]CCGGAGCTTTTAGAGGCTTTATATCCTAAACTTTTCAAGCCTGAAGGAAAGGCAGAACTG-3'
Protein context (NP_057683.1, residues 149-169): QSPWEQAISN[Asp159Glu]PELLEALYPK

ClinVar aggregate classification (germline): Uncertain significance (1 of 4 stars; one submission).

Conditions:
Hypertrophic cardiomyopathy. Also called: HYPERTROPHIC MYOCARDIOPATHY. Identifiers: Orphanet 217569, MedGen C0007194, MeSH D002312, MONDO:0005045, HP:0001639.

Submission:

Labcorp Genetics (formerly Invitae), Labcorp
Classification: Uncertain significance for Hypertrophic cardiomyopathy. Last evaluated: 2022-05-14. Review status: criteria provided, single submitter. Criteria: Invitae Variant Classification Sherloc (09022015). Collection method: clinical testing. Allele origin: germline.
Comment: Algorithms developed to predict the effect of missense changes on protein structure and function output the following: SIFT: "Tolerated"; PolyPhen-2: "Benign"; Align-GVGD: "Class C0". The glutamic acid amino acid residue is found in multiple mammalian species, which suggests that this missense change does not adversely affect protein function. In summary, the available evidence is currently insufficient to determine the role of this variant in disease. Therefore, it has been classified as a Variant of Uncertain Significance. This sequence change replaces aspartic acid, which is acidic and polar, with glutamic acid, which is acidic and polar, at codon 159 of the MYOZ2 protein (p.Asp159Glu). This variant is not present in population databases (gnomAD no frequency). This variant has not been reported in the literature in individuals affected with MYOZ2-related conditions.